The following is an entry in ClinVar:

NM_001927.4(DES):c.239CCT[2] (p.Ser82del)

Gene: DES (desmin; plus strand). Cytogenetic location: 2q35.
Variant type: Microsatellite.
Coding change: c.239CCT[2] on transcript NM_001927.4 (MANE Select); two copies in a row of the 3-base unit CCT starting at c.239; the reference has three copies in a row; one copy, 3 bases deleted.
Protein change: p.Ser82del; deletes serine 82.
Molecular consequence: inframe deletion.
Genome position (GRCh38, 1-based): chr2:219,418,707-219,418,709, CCT deleted; deleting any 3 consecutive bases within chr2:219,418,701-219,418,709 gives the same sequence; the position shown is the placement nearest the transcript's 3' end. VCF-style (leftmost placement, unchanged base first): chr2-219418700-CCCT-C. GRCh37 (hg19) VCF-style: chr2-220283422-CCCT-C.
Other names: c.239CCT[2], p.Ser82del (NM_001382708.1, NM_001382709.1, NM_001382710.1 and 3 more transcripts); short protein forms S82del.
Identifiers: ClinVar variation 1930596 (VCV001930596.5), dbSNP rs2545246778, ClinGen allele CA2580616702.

ClinVar aggregate classification (germline): Uncertain significance (1 of 4 stars; one submission).

Conditions:
Desmin-related myofibrillar myopathy (MFM1). Also called: Desminopathy; Desmin related myopathy (former name); Desmin storage myopathy (former name); Myofibrillar myopathy 1; MYOFIBRILLAR MYOPATHY WITH ARRHYTHMOGENIC RIGHT VENTRICULAR CARDIOMYOPATHY; DESMIN-RELATED MYOPATHY WITH ARRHYTHMOGENIC RIGHT VENTRICULAR CARDIOMYOPATHY. Identifiers: Orphanet 363543, Orphanet 98909, MedGen C1832370, MONDO:0011076, OMIM 601419.

Submission:

Labcorp Genetics (formerly Invitae), Labcorp
Classification: Uncertain significance for Desmin-related myofibrillar myopathy. Last evaluated: 2025-12-01. Review status: criteria provided, single submitter. Criteria: Invitae Variant Classification Sherloc (09022015). Collection method: clinical testing. Allele origin: germline.
Comment: This variant, c.245_247del, results in the deletion of 1 amino acid(s) of the DES protein (p.Ser82del), but otherwise preserves the integrity of the reading frame. This variant is not present in population databases (gnomAD no frequency). This variant has not been reported in the literature in individuals affected with DES-related conditions. Experimental studies and prediction algorithms are not available or were not evaluated, and the functional significance of this variant is currently unknown. In summary, the available evidence is currently insufficient to determine the role of this variant in disease. Therefore, it has been classified as a Variant of Uncertain Significance.